The following is an entry in ClinVar:

ClinVar aggregate classification (germline): Pathogenic/Likely pathogenic. Review status: criteria provided, multiple submitters, no conflicts (2 of 4 stars). 3 submissions from 3 submitters: Pathogenic (2); Likely pathogenic (1). Last evaluated 2025-07-15.

Conditions:
Hereditary cancer-predisposing syndrome. Also called: Tumor predisposition; Hereditary Cancer Syndrome; Neoplastic Syndromes, Hereditary; Hereditary neoplastic syndrome. Identifiers: Orphanet 140162, MedGen C0027672, MeSH D009386, MONDO:0015356.
Fanconi anemia (FA). Also called: Fanconi's anemia. Identifiers: Orphanet 84, MedGen C0015625, MeSH D005199, MONDO:0019391.
Fanconi anemia complementation group C (FANCC). Also called: FACC; FANCONI PANCYTOPENIA, TYPE 3; FANCC-Related Fanconi Anemia; Fanconi anemia, group C. Identifiers: Orphanet 84, MedGen C3468041, MONDO:0009213, OMIM 227645.

Submissions (3):

Labcorp Genetics (formerly Invitae), Labcorp
Classification: Pathogenic for Fanconi anemia. Last evaluated: 2025-07-15. Review status: criteria provided, single submitter. Criteria: Invitae Variant Classification Sherloc (09022015). Collection method: clinical testing. Allele origin: germline.
Comment: This sequence change creates a premature translational stop signal (p.Ile89Asnfs*11) in the FANCC gene. It is expected to result in an absent or disrupted protein product. Loss-of-function variants in FANCC are known to be pathogenic (PMID: 17924555). This variant is present in population databases (rs751757203, gnomAD 0.0009%). This variant has not been reported in the literature in individuals affected with FANCC-related conditions. ClinVar contains an entry for this variant (Variation ID: 1794430). For these reasons, this variant has been classified as Pathogenic.

Baylor Genetics
Classification: Likely pathogenic for Fanconi anemia complementation group C. Last evaluated: 2023-12-01. Review status: criteria provided, single submitter. Criteria: ACMG Guidelines, 2015. Collection method: clinical testing. Allele origin: unknown.

Ambry Genetics
Classification: Pathogenic for Hereditary cancer-predisposing syndrome. Last evaluated: 2021-03-09. Review status: criteria provided, single submitter. Criteria: Ambry Variant Classification Scheme 2023. Collection method: clinical testing. Allele origin: germline.
Comment: The c.265dupA pathogenic mutation, located in coding exon 3 of the FANCC gene, results from a duplication of A at nucleotide position 265, causing a translational frameshift with a predicted alternate stop codon (p.I89Nfs*11). This allele was reported in one heterozygous individual in population-based cohorts in the Genome Aggregation Database (gnomAD). This alteration is expected to result in loss of function by premature protein truncation or nonsense-mediated mRNA decay. As such, this alteration is interpreted as a disease-causing mutation.

Literature cited by the submitters: PubMed 17924555 (cited by Labcorp Genetics (formerly Invitae), Labcorp); PubMed 31722815 (cited by Ambry Genetics).

NM_000136.3(FANCC):c.265dup (p.Ile89fs)

Gene: FANCC (FA complementation group C; minus strand). Cytogenetic location: 9q22.32.
Variant type: Duplication.
Coding change: c.265dup on transcript NM_000136.3 (MANE Select); coding-DNA position 265, one base duplicated (A; older notation c.265dupA).
Protein change: p.Ile89fs; shifts the reading frame from isoleucine 89.
Molecular consequence: frameshift variant.
Genome position (GRCh38, 1-based): chr9:95,240,729, T duplicated on the plus strand (A on the coding strand, the reverse complement: FANCC is on the minus strand); the first of 6 consecutive T bases (chr9:95,240,729-95,240,734); duplicating any one gives the same sequence. VCF-style (leftmost placement, unchanged base first): chr9-95240728-A-AT. GRCh37 (hg19) VCF-style: chr9-98003010-A-AT.
Other names: c.265dup, p.Ile89fs (NM_001243743.2, NM_001243744.2); c.265dupA (NM_000136.2); short protein forms I89fs.
Identifiers: ClinVar variation 1794430 (VCV001794430.6), dbSNP rs751757203, ClinGen allele CA5137787.
Genomic context (GRCh38, chr9:95,240,728, plus strand): 5'-TTTGATTGTCCAGAATTCTGTGGTTCTTTGTTAATTAGACAACATAAGCACCATATTAGA[A>AT]TTTTTTGGCTTTCATCTACAAAAAGGAAAACTTAATAAGTTTTATCAAGCAGAAAAAATC-3'